The following is an entry in ClinVar:

NM_000433.4(NCF2):c.999A>G (p.Pro333=)

Gene: NCF2 (neutrophil cytosolic factor 2; minus strand). Cytogenetic location: 1q25.3.
Variant type: single nucleotide variant.
Coding change: c.999A>G on transcript NM_000433.4 (MANE Select); coding-DNA position 999, A replaced by G.
Protein change: p.Pro333=; no amino-acid change (proline 333 retained).
Molecular consequence: synonymous variant.
Genome position (GRCh38, 1-based): chr1:183,565,705, T>C on the plus strand (A>G on the coding strand, the complement: NCF2 is on the minus strand). VCF-style: chr1-183565705-T-C. GRCh37 (hg19) VCF-style: chr1-183534840-T-C.
Other names: c.999A>G, p.Pro333= (NM_001127651.3); c.756A>G, p.Pro252= (NM_001190789.2); c.864A>G, p.Pro288= (NM_001190794.2); c.891A>G, p.Pro297= (NM_001410895.1).
Identifiers: ClinVar variation 2019296 (VCV002019296.4), dbSNP rs2527921746, ClinGen allele CA422295591.

ClinVar aggregate classification (germline): Uncertain significance (1 of 4 stars; one submission).

Conditions:
Granulomatous disease, chronic, autosomal recessive, cytochrome b-positive, type 2. Also called: Chronic Granulomatous Disease, Autosomal Recessive, Cytochrome b-Positive, Type II; GRANULOMATOUS DISEASE, CHRONIC, AUTOSOMAL RECESSIVE, 2; Chronic granulomatous disease due to deficiency of NCF-2; CGD, AUTOSOMAL RECESSIVE CYTOCHROME b-POSITIVE, TYPE II; GRANULOMATOUS DISEASE, CHRONIC, DUE TO NCF2 DEFICIENCY. Identifiers: Orphanet 379, MedGen C1856245, MONDO:0009310, OMIM 233710.

Allele frequency attached by ClinVar (database versions not stated): gnomAD exomes below 0.00001.
gnomAD v4.1: 1 of 1,612,398 alleles (0.000062%); highest among the groups gnomAD compares: East Asian, 0.0022%; no homozygotes.

Submission:

Labcorp Genetics (formerly Invitae), Labcorp
Classification: Uncertain significance for Granulomatous disease, chronic, autosomal recessive, cytochrome b-positive, type 2. Last evaluated: 2022-07-23. Review status: criteria provided, single submitter. Criteria: Invitae Variant Classification Sherloc (09022015). Collection method: clinical testing. Allele origin: germline.
Comment: In summary, the available evidence is currently insufficient to determine the role of this variant in disease. Therefore, it has been classified as a Variant of Uncertain Significance. Algorithms developed to predict the effect of sequence changes on RNA splicing suggest that this variant is not likely to affect RNA splicing. This variant has not been reported in the literature in individuals affected with NCF2-related conditions. This variant is not present in population databases (gnomAD no frequency). This sequence change affects codon 333 of the NCF2 mRNA. It is a 'silent' change, meaning that it does not change the encoded amino acid sequence of the NCF2 protein. It affects a nucleotide within the consensus splice site.